The following is an entry in ClinVar:

NM_006147.4(IRF6):c.514C>T (p.Pro172Ser)

Gene: IRF6 (interferon regulatory factor 6; minus strand). Cytogenetic location: 1q32.2.
Variant type: single nucleotide variant.
Coding change: c.514C>T on transcript NM_006147.4 (MANE Select); coding-DNA position 514, C replaced by T.
Protein change: p.Pro172Ser; replaces proline 172 with serine.
Molecular consequence: missense variant.
Genome position (GRCh38, 1-based): chr1:209,792,422, G>A on the plus strand (C>T on the coding strand, the complement: IRF6 is on the minus strand). VCF-style: chr1-209792422-G-A. GRCh37 (hg19) VCF-style: chr1-209965767-G-A.
Other names: c.229C>T, p.Pro77Ser (NM_001206696.2); short protein forms P172S, P77S.
Identifiers: ClinVar variation 559492 (VCV000559492.2), dbSNP rs1553247899, ClinGen allele CA344580195.

ClinVar aggregate classification (germline): Uncertain significance (0 of 4 stars; one submission).

Conditions:
Orofacial cleft 10 (OFC10). Also called: CLEFT LIP WITH OR WITHOUT CLEFT PALATE, NONSYNDROMIC, 10. Identifiers: MedGen C1866070, MONDO:0013378, OMIM 613705.
Selective tooth agenesis. Identifiers: MedGen C1970308, HP:0001592.

Submission:

Pharmacology and Genetics Laboratory, Bauru School of Dentistry, University of Sao Paulo
Classification: Uncertain significance for Orofacial cleft 10; Selective tooth agenesis. Review status: no assertion criteria provided. Collection method: case-control. Allele origin: unknown. Affected: yes. Observed: 1 variant allele.
Comment: In silico analysis revealed polyphen prediction possibly damage with polyphen score 0.949. Provean protein Batch - SIFT was predicted as tolerated with score 0.43. Mutation tester predicted disease causing.

Literature cited by the submitters: PubMed 27834299; PubMed 26346622; PubMed 28762674.